The following is an entry in ClinVar:

NM_024598.4(USB1):c.196A>C (p.Lys66Gln)

Gene: USB1 (U6 snRNA biogenesis phosphodiesterase 1; plus strand). Cytogenetic location: 16q21.
Variant type: single nucleotide variant.
Coding change: c.196A>C on transcript NM_024598.4 (MANE Select); coding-DNA position 196, A replaced by C.
Protein change: p.Lys66Gln; replaces lysine 66 with glutamine.
Molecular consequence: missense variant.
Genome position (GRCh38, 1-based): chr16:58,002,576, A>C. VCF-style: chr16-58002576-A-C. GRCh37 (hg19) VCF-style: chr16-58036480-A-C.
Other names: c.196A>C, p.Lys66Gln (NM_001330569.2, NM_001195302.2, NM_001204911.2); c.43A>C, p.Lys15Gln (NM_001330568.2); short protein forms K15Q, K66Q.
Identifiers: ClinVar variation 5031628 (VCV005031628.1).

ClinVar aggregate classification (germline): Uncertain significance (1 of 4 stars; one submission).

Conditions:
Inborn genetic diseases. Identifiers: MedGen C0950123, MeSH D030342.

Submission:

Ambry Genetics
Classification: Uncertain significance for Inborn genetic diseases. Last evaluated: 2026-08-29. Review status: criteria provided, single submitter. Criteria: Ambry Variant Classification Scheme 2023. Collection method: clinical testing. Allele origin: germline.
Comment: The p.K66Q variant (also known as c.196A>C), located in coding exon 2 of the USB1 gene, results from an A to C substitution at nucleotide position 196. The lysine at codon 66 is replaced by glutamine, an amino acid with similar properties. This amino acid position is conserved. In addition, this alteration is predicted to be tolerated by in silico analysis. Based on the available evidence, the clinical significance of this variant remains unclear.